The following is an entry in ClinVar:

NM_001330588.2(TPP2):c.394G>A (p.Glu132Lys)

Gene: TPP2 (tripeptidyl peptidase 2; plus strand). Cytogenetic location: 13q33.1.
Variant type: single nucleotide variant.
Coding change: c.394G>A on transcript NM_001330588.2 (MANE Select); coding-DNA position 394, G replaced by A.
Protein change: p.Glu132Lys; replaces glutamic acid 132 with lysine.
Molecular consequence: missense variant. On other transcripts: non-coding transcript variant (1).
Genome position (GRCh38, 1-based): chr13:102,616,399, G>A. VCF-style: chr13-102616399-G-A. GRCh37 (hg19) VCF-style: chr13-103268749-G-A.
Other names: c.394G>A, p.Glu132Lys (NM_001367947.1, NM_003291.4); c.394G>A (NM_003291.2); short protein forms E132K.
Identifiers: ClinVar variation 3604605 (VCV003604605.4).

ClinVar aggregate classification (germline): Uncertain significance. Review status: criteria provided, multiple submitters, no conflicts (2 of 4 stars). 3 submissions from 3 submitters: Uncertain significance (3). Last evaluated 2025-11-21.

Conditions:
Inborn genetic diseases. Identifiers: MedGen C0950123, MeSH D030342.
Evans syndrome, immunodeficiency, and premature immunosenescence associated with tripeptidyl-peptidase II deficiency. Identifiers: MedGen CN231723. Disease mechanism: loss of function.

gnomAD v4.1: 43 of 1,609,198 alleles (0.0027%); highest among the groups gnomAD compares: Non-Finnish European, 0.0035%; no homozygotes.

Submissions (3):

Labcorp Genetics (formerly Invitae), Labcorp
Classification: Uncertain significance for Evans syndrome, immunodeficiency, and premature immunosenescence associated with tripeptidyl-peptidase II deficiency. Last evaluated: 2025-11-21. Review status: criteria provided, single submitter. Criteria: Invitae Variant Classification Sherloc (09022015). Collection method: clinical testing. Allele origin: germline.
Comment: This sequence change replaces glutamic acid, which is acidic and polar, with lysine, which is basic and polar, at codon 132 of the TPP2 protein (p.Glu132Lys). This variant is present in population databases (rs759089009, gnomAD 0.005%). This variant has not been reported in the literature in individuals affected with TPP2-related conditions. ClinVar contains an entry for this variant (Variation ID: 3604605). An algorithm developed to predict the effect of missense changes on protein structure and function (PolyPhen-2) suggests that this variant is likely to be disruptive. In summary, the available evidence is currently insufficient to determine the role of this variant in disease. Therefore, it has been classified as a Variant of Uncertain Significance.

Ambry Genetics
Classification: Uncertain significance for Inborn genetic diseases. Last evaluated: 2025-02-01. Review status: criteria provided, single submitter. Criteria: Ambry Variant Classification Scheme 2023. Collection method: clinical testing. Allele origin: germline.

Blueprint Genetics
Classification: Uncertain significance. Last evaluated: 2023-08-10. Review status: criteria provided, single submitter. Criteria: ACMG Guidelines, 2015. Collection method: clinical testing. Allele origin: germline.